The following is an entry in ClinVar:

ClinVar aggregate classification (germline): Uncertain significance (1 of 4 stars; one submission).

Conditions:
NBEAL2-related disorder. Also called: NBEAL2-related condition.

Submission:

PreventionGenetics, part of Exact Sciences
Classification: Uncertain significance for NBEAL2-related condition. Last evaluated: 2025-12-22. Review status: criteria provided, single submitter. Criteria: ACMG Guidelines, 2015. Collection method: clinical testing. Allele origin: germline.
Comment: The NBEAL2 c.556G>A variant is predicted to result in the amino acid substitution p.Glu186Lys. To our knowledge, this variant has not been reported in the literature or in a large population database (gnomAD), indicating this variant is rare. At this time, the clinical significance of this variant is uncertain due to the absence of conclusive functional and genetic evidence.

NM_015175.3(NBEAL2):c.556G>A (p.Glu186Lys)

Gene: NBEAL2 (neurobeachin like 2; plus strand). Cytogenetic location: 3p21.31.
Variant type: single nucleotide variant.
Coding change: c.556G>A on transcript NM_015175.3 (MANE Select); coding-DNA position 556, G replaced by A.
Protein change: p.Glu186Lys; replaces glutamic acid 186 with lysine.
Molecular consequence: missense variant.
Genome position (GRCh38, 1-based): chr3:46,989,593, G>A. VCF-style: chr3-46989593-G-A. GRCh37 (hg19) VCF-style: chr3-47031083-G-A.
Other names: c.535G>A, p.Glu179Lys (NM_001365116.2); short protein forms E179K, E186K.
Identifiers: ClinVar variation 4993839 (VCV004993839.1).